The following is an entry in ClinVar:

ClinVar aggregate classification (germline): Uncertain significance (1 of 4 stars; one submission).

Allele frequency attached by ClinVar (database versions not stated): TOPMed 0.00001.

Submission:

GeneDx
Classification: Uncertain significance. Last evaluated: 2023-12-26. Review status: criteria provided, single submitter. Criteria: GeneDx Variant Classification Process June 2021. Collection method: clinical testing. Allele origin: germline.
Comment: Not observed at significant frequency in large population cohorts (gnomAD); In silico analysis supports that this missense variant does not alter protein structure/function; Has not been previously published as pathogenic or benign to our knowledge

NM_021964.3(ZNF148):c.1795G>T (p.Ala599Ser)

Genes: ZNF148 (zinc finger protein 148; minus strand), LOC126806798 (P300/CBP strongly-dependent group 1 enhancer GRCh37_chr3:124950809-124952008; plus strand). Cytogenetic location: 3q21.2.
Variant type: single nucleotide variant.
Coding change: c.1795G>T on transcript NM_021964.3 (MANE Select); coding-DNA position 1795, G replaced by T.
Protein change: p.Ala599Ser; replaces alanine 599 with serine.
Molecular consequence: missense variant.
Genome position (GRCh38, 1-based): chr3:125,232,931, C>A on the plus strand (G>T on the coding strand, the complement: ZNF148 is on the minus strand). VCF-style: chr3-125232931-C-A. GRCh37 (hg19) VCF-style: chr3-124951775-C-A.
Other names: c.1795G>T, p.Ala599Ser (NM_001348431.2, NM_001348432.2, NM_001348433.2 and 7 more transcripts); c.1669G>T, p.Ala557Ser (NM_001348434.2); short protein forms A557S, A599S.
Identifiers: ClinVar variation 2662777 (VCV002662777.2), dbSNP rs1171659985, ClinGen allele CA354294547.
Genomic context (GRCh38, chr3:125,232,931, plus strand): 5'-TTTGGCTAGTTCTGTCCAAAGCCTGCTGCAGAAACTTGGAGTATTCCTGCAACATGTTGG[C>A]TTTATCTGATGAGGATGCTTGGGAGCTTGATCCAACATTCTCTGACGGGGTGACCTCTGG-3'
Protein context (NP_068799.2, residues 589-609): SSSQASSSDK[Ala599Ser]NMLQEYSKFL